The following is an entry in ClinVar:

ClinVar aggregate classification (germline): Pathogenic. Review status: reviewed by expert panel (3 of 4 stars). 2 submissions from 2 submitters: Pathogenic (1). 1 of the submissions does not count toward it. Last evaluated 2016-10-18.

Conditions:
Breast-ovarian cancer, familial, susceptibility to, 2 (BROVCA2). Also called: BRCA2 Hereditary Breast and Ovarian Cancer. Identifiers: Orphanet 145, MedGen C2675520, MONDO:0012933, OMIM 612555. Disease mechanism: loss of function.

Submissions (2):

Evidence-based Network for the Interpretation of Germline Mutant Alleles (ENIGMA)
Classification: Pathogenic for Breast-ovarian cancer, familial, susceptibility to, 2. Last evaluated: 2016-10-18. Review status: reviewed by expert panel. Criteria: ENIGMA BRCA1/2 Classification Criteria (2015). Collection method: curation. Allele origin: germline.
Comment: Variant allele predicted to encode a truncated non-functional protein.

Consortium of Investigators of Modifiers of BRCA1/2 (CIMBA), c/o University of Cambridge
Classification: Pathogenic for Breast-ovarian cancer, familial, susceptibility to, 2. Last evaluated: 2015-10-02. Review status: criteria provided, single submitter. Criteria: CIMBA Mutation Classification guidelines May 2016. Collection method: clinical testing. Allele origin: germline. Not counted in ClinVar's aggregate classification.

NM_000059.4(BRCA2):c.8164del (p.Thr2722fs)

Gene: BRCA2 (BRCA2 DNA repair associated; plus strand). Cytogenetic location: 13q13.1.
Variant type: Deletion.
Coding change: c.8164del on transcript NM_000059.4 (MANE Select); coding-DNA position 8164, one base deleted (A; older notation c.8164delA).
Protein change: p.Thr2722fs; shifts the reading frame from threonine 2722.
Molecular consequence: frameshift variant.
Genome position (GRCh38, 1-based): chr13:32,363,366, A deleted. VCF-style (leftmost placement, unchanged base first): chr13-32363365-TA-T. GRCh37 (hg19) VCF-style: chr13-32937502-TA-T.
Other names: 8392 delA; short protein forms T2722fs.
Identifiers: ClinVar variation 267057 (VCV000267057.7), dbSNP rs886040748, ClinGen allele CA10589470.
Genomic context (GRCh38, chr13:32,363,365, plus strand): 5'-TGAAACTTCTAGCAATAAAACTAGTAGTGCAGATACCCAAAAAGTGGCCATTATTGAACT[TA>T]CAGATGGGTGGTATGCTGTTAAGGCCCAGTTAGATCCTCCCCTCTTAGCTGTCTTAAAGA-3'